The following is an entry in ClinVar:

ClinVar aggregate classification (germline): Likely pathogenic (1 of 4 stars; one submission).

Conditions:
Au-Kline syndrome. Also called: Neurodevelopmental disorder-craniofacial dysmorphism-cardiac defect-hip dysplasia syndrome due to a point mutation; Okamoto syndrome. Identifiers: Orphanet 2729, Orphanet 453499, Orphanet 453504, MedGen C4225274, MONDO:0014700, OMIM 616580.

Submission:

3billion
Classification: Likely pathogenic for Au-Kline syndrome. Last evaluated: 2024-11-08. Review status: criteria provided, single submitter. Criteria: ACMG Guidelines, 2015. Collection method: clinical testing. Allele origin: germline. Affected: yes.
Comment: The variant is not observed in the gnomAD v4.1.0 dataset. Predicted Consequence/Location: Frameshift: predicted to result in a loss or disruption of normal protein function through nonsense-mediated decay (NMD) or protein truncation. Multiple pathogenic variants are reported downstream of the variant. Therefore, this variant is classified as Likely pathogenic according to the recommendation of ACMG/AMP guideline.

NM_031263.4(HNRNPK):c.838dup (p.Tyr280fs)

Gene: HNRNPK (heterogeneous nuclear ribonucleoprotein K; minus strand). Cytogenetic location: 9q21.32.
Variant type: Duplication.
Coding change: c.838dup on transcript NM_031263.4 (MANE Select); coding-DNA position 838, one base duplicated (T; older notation c.838dupT).
Protein change: p.Tyr280fs; shifts the reading frame from tyrosine 280.
Molecular consequence: frameshift variant.
Genome position (GRCh38, 1-based): chr9:83,971,997, A duplicated on the plus strand (T on the coding strand, the reverse complement: HNRNPK is on the minus strand); the first of 2 consecutive A bases (chr9:83,971,997-83,971,998); duplicating either gives the same sequence. VCF-style (leftmost placement, unchanged base first): chr9-83971996-T-TA. GRCh37 (hg19) VCF-style: chr9-86586911-T-TA.
Other names: c.766dup, p.Tyr256fs (NM_001318186.2, NM_001318187.2); c.838dup, p.Tyr280fs (NM_001318188.2, NM_002140.5, NM_031262.4); short protein forms Y256fs, Y280fs.
Identifiers: ClinVar variation 4292074 (VCV004292074.1).